The following is an entry in ClinVar:

NM_020937.4(FANCM):c.4002_4005del (p.Lys1335fs)

Gene: FANCM (FA complementation group M; plus strand). Cytogenetic location: 14q21.2.
Variant type: Deletion.
Coding change: c.4002_4005del on transcript NM_020937.4 (MANE Select); coding-DNA positions 4002 to 4005, 4 bases deleted (AAAA; older notation c.4002_4005delAAAA).
Protein change: p.Lys1335fs; shifts the reading frame from lysine 1335.
Molecular consequence: frameshift variant.
Genome position (GRCh38, 1-based): chr14:45,176,756-45,176,759, AAAA deleted; deleting any 4 consecutive bases within chr14:45,176,752-45,176,759 gives the same sequence; the c. name uses the placement nearest the transcript's 3' end. VCF-style (leftmost placement, unchanged base first): chr14-45176751-CAAAA-C. GRCh37 (hg19) VCF-style: chr14-45645954-CAAAA-C.
Other names: c.3924_3927del, p.Lys1309fs (NM_001308133.2); short protein forms K1309fs, K1335fs.
Identifiers: ClinVar variation 4528369 (VCV004528369.1).

ClinVar aggregate classification (germline): Likely pathogenic (1 of 4 stars; one submission).

Conditions:
FANCM Fanconi-like genomic instability disorder. Identifiers: MedGen CN379138, MONDO:0100578.

Submission:

Zero Childhood Cancer Program, Children's Cancer Institute
Classification: Likely pathogenic for FANCM Fanconi-like genomic instability disorder. Last evaluated: 2025-08-07. Review status: criteria provided, single submitter. Criteria: Zero Childhood Cancer Program Assertion Criteria November2025. Collection method: research. Allele origin: germline. Inheritance: Autosomal recessive inheritance. Affected: no.
Comment: The c.4002_4005del (p.Lys1335LeufsTer2) variant in FANCM is a frameshift variant in exon 14 of 23 predicted to cause a premature stop codon leading to nonsense mediated decay in a gene in which loss-of-function is an established disease mechanism (PVS1; PMID: 28837157, 28837162). This variant is absent from gnomAD v4 (PM2). For these reasons, this variant has been classified as likely pathogenic.

Literature cited by the submitters: PubMed 28837157; PubMed 28837162.